The following is an entry in ClinVar:

ClinVar aggregate classification (germline): Uncertain significance (1 of 4 stars; one submission).

Conditions:
Hereditary cancer-predisposing syndrome. Also called: Hereditary Cancer Syndrome; Tumor predisposition; Hereditary neoplastic syndrome; Neoplastic Syndromes, Hereditary. Identifiers: Orphanet 140162, MedGen C0027672, MeSH D009386, MONDO:0015356.
Cardiovascular phenotype. Identifiers: MedGen CN230736.

Submission:

Ambry Genetics
Classification: Uncertain significance for Cardiovascular phenotype; Hereditary cancer-predisposing syndrome. Last evaluated: 2024-09-23. Review status: criteria provided, single submitter. Criteria: Ambry Variant Classification Scheme 2023. Collection method: clinical testing. Allele origin: germline.
Comment: The p.A1707P variant (also known as c.5119G>C), located in coding exon 36 of the NF1 gene, results from a G to C substitution at nucleotide position 5119. The alanine at codon 1707 is replaced by proline, an amino acid with highly similar properties. This amino acid position is conserved. In addition, this alteration is predicted to be tolerated by in silico analysis. Based on the available evidence, the clinical significance of this variant remains unclear.

NM_001042492.3(NF1):c.5182G>C (p.Ala1728Pro)

Gene: NF1 (neurofibromin 1; plus strand). Cytogenetic location: 17q11.2.
Variant type: single nucleotide variant.
Coding change: c.5182G>C on transcript NM_001042492.3 (MANE Select); coding-DNA position 5182, G replaced by C.
Protein change: p.Ala1728Pro; replaces alanine 1728 with proline.
Molecular consequence: missense variant.
Genome position (GRCh38, 1-based): chr17:31,326,166, G>C. VCF-style: chr17-31326166-G-C. GRCh37 (hg19) VCF-style: chr17-29653184-G-C.
Other names: c.5119G>C, p.Ala1707Pro (NM_000267.4); short protein forms A1728P, A1707P.
Identifiers: ClinVar variation 3404764 (VCV003404764.1).